The following is an entry in ClinVar:

ClinVar aggregate classification (germline): Likely pathogenic. Review status: criteria provided, multiple submitters, no conflicts (2 of 4 stars). 2 submissions from 2 submitters: Likely pathogenic (2). Last evaluated 2022-03-30.

Conditions:
Primary hypomagnesemia (HOMG3). Also called: HYPOMAGNESEMIA, FAMILIAL, WITH HYPERCALCIURIA AND NEPHROCALCINOSIS; HYPOMAGNESEMIA, ISOLATED RENAL; HYPOMAGNESEMIA, PRIMARY, DUE TO DEFECT IN RENAL TUBULAR TRANSPORT OF MAGNESIUM; HYPOMAGNESEMIA 3, RENAL. Identifiers: Orphanet 31043, MedGen C0268448, MONDO:0009550, OMIM 248250.

gnomAD v4.1: 5 of 1,614,012 alleles (0.00031%); highest among the groups gnomAD compares: Non-Finnish European, 0.00042%; no homozygotes.

Submissions (2):

Fulgent Genetics
Classification: Likely pathogenic for Primary hypomagnesemia. Last evaluated: 2022-03-30. Review status: criteria provided, single submitter. Criteria: ACMG Guidelines, 2015. Collection method: clinical testing. Allele origin: unknown.

GeneDx
Classification: Likely pathogenic. Last evaluated: 2020-06-22. Review status: criteria provided, single submitter. Criteria: GeneDx Variant Classification Process June 2021. Collection method: clinical testing. Allele origin: germline. Affected: yes.
Comment: In silico analysis supports that this missense variant has a deleterious effect on protein structure/function; This variant is associated with the following publications: (PMID: 32164158, 19538301, 16047219)

NM_006580.4(CLDN16):c.487G>T (p.Gly163Cys)

Gene: CLDN16 (claudin 16; plus strand). Cytogenetic location: 3q28.
Variant type: single nucleotide variant.
Coding change: c.487G>T on transcript NM_006580.4 (MANE Select); coding-DNA position 487, G replaced by T.
Protein change: p.Gly163Cys; replaces glycine 163 with cysteine.
Molecular consequence: missense variant.
Genome position (GRCh38, 1-based): chr3:190,408,418, G>T. VCF-style: chr3-190408418-G-T. GRCh37 (hg19) VCF-style: chr3-190126207-G-T.
Other names: c.487G>T, p.Gly163Cys (NM_001378492.1, NM_001378493.1); short protein forms G163C.
Identifiers: ClinVar variation 1678754 (VCV001678754.3), dbSNP rs1577432872, ClinGen allele CA355767138.